The following is an entry in ClinVar:

ClinVar aggregate classification (germline): Uncertain significance (1 of 4 stars; one submission).

Submission:

Labcorp Genetics (formerly Invitae), Labcorp
Classification: Uncertain significance. Last evaluated: 2025-12-24. Review status: criteria provided, single submitter. Criteria: Invitae Variant Classification Sherloc (09022015). Collection method: clinical testing. Allele origin: germline.
Comment: This sequence change creates a premature translational stop signal (p.Asp558Argfs*40) in the TNK2 gene. It is expected to result in an absent or disrupted protein product. However, the current clinical and genetic evidence is not sufficient to establish whether loss-of-function variants in TNK2 cause disease. This variant is present in population databases (rs779354232, gnomAD 0.04%). This variant has not been reported in the literature in individuals affected with TNK2-related conditions. ClinVar contains an entry for this variant (Variation ID: 3693802). In summary, the available evidence is currently insufficient to determine the role of this variant in disease. Therefore, it has been classified as a Variant of Uncertain Significance.

NM_001382273.1(TNK2):c.1482dup (p.Asp495fs)

Gene: TNK2 (tyrosine kinase non receptor 2; minus strand). Cytogenetic location: 3q29.
Variant type: Duplication.
Coding change: c.1482dup on transcript NM_001382273.1 (MANE Select); coding-DNA position 1482, one base duplicated (C; older notation c.1482dupC).
Protein change: p.Asp495fs; shifts the reading frame from aspartic acid 495.
Molecular consequence: frameshift variant. On other transcripts: non-coding transcript variant (15).
Genome position (GRCh38, 1-based): chr3:195,870,175, G duplicated on the plus strand (C on the coding strand, the reverse complement: TNK2 is on the minus strand); the first of 7 consecutive G bases (chr3:195,870,175-195,870,181); duplicating any one gives the same sequence. VCF-style (leftmost placement, unchanged base first): chr3-195870174-C-CG. GRCh37 (hg19) VCF-style: chr3-195597045-C-CG.
Other names: c.1554dup, p.Asp519fs (NM_001010938.2, NM_001382272.1, NM_001387708.1 and 1 more transcripts); c.1578dup, p.Asp527fs (NM_001308046.2, NM_001382271.1, NM_001382275.1 and 1 more transcripts); c.1482dup, p.Asp495fs (NM_001382274.1, NM_001386164.1, NM_001387709.1 and 12 more transcripts); short protein forms D527fs, D495fs, D519fs.
Identifiers: ClinVar variation 3693802 (VCV003693802.2).